The following is an entry in ClinVar:

ClinVar aggregate classification (germline): Benign/Likely benign. Review status: criteria provided, multiple submitters, no conflicts (2 of 4 stars). 4 submissions from 4 submitters: Benign (1); Likely benign (2). 1 of the submissions does not count toward it. Last evaluated 2025-06-22.

Conditions:
TBX3-related disorder. Also called: TBX3-related condition.
Ulnar-mammary syndrome (UMS). Also called: SCHINZEL SYNDROME; PALLISTER ULNAR-MAMMARY SYNDROME; Ulnar-mammary syndrome of Pallister. Identifiers: Orphanet 3138, MedGen C1866994, MONDO:0008411, OMIM 181450.

Allele frequency attached by ClinVar (database versions not stated): TOPMed below 0.00001; gnomAD exomes 0.00003; ExAC 0.00009.

Submissions (4):

Labcorp Genetics (formerly Invitae), Labcorp
Classification: Likely benign for Ulnar-mammary syndrome. Last evaluated: 2025-06-22. Review status: criteria provided, single submitter. Criteria: Invitae Variant Classification Sherloc (09022015). Collection method: clinical testing. Allele origin: germline.

Blueprint Genetics
Classification: Likely benign. Last evaluated: 2024-07-23. Review status: criteria provided, single submitter. Criteria: ACMG Guidelines, 2015. Collection method: clinical testing. Allele origin: germline.

Illumina Laboratory Services, Illumina
Classification: Benign for Ulnar-mammary syndrome. Last evaluated: 2018-01-13. Review status: criteria provided, single submitter. Criteria: ICSL Variant Classification Criteria 13 December 2019. Collection method: clinical testing. Allele origin: germline.
Comment: This variant was observed in the ICSL laboratory as part of a predisposition screen in an ostensibly healthy population. It had not been previously curated by ICSL or reported in the Human Gene Mutation Database (HGMD: prior to June 1st, 2018), and was therefore a candidate for classification through an automated scoring system. Utilizing variant allele frequency, disease prevalence and penetrance estimates, and inheritance mode, an automated score was calculated to assess if this variant is too frequent to cause the disease. Based on the score and internal cut-off values, a variant classified as benign is not then subjected to further curation. The score for this variant resulted in a classification of benign for this disease.

PreventionGenetics, part of Exact Sciences
Classification: Likely benign for TBX3-related condition. Last evaluated: 2022-02-04. Review status: no assertion criteria provided. Collection method: clinical testing. Allele origin: germline. Not counted in ClinVar's aggregate classification.
Comment: This variant is classified as likely benign based on ACMG/AMP sequence variant interpretation guidelines (Richards et al. 2015 PMID: 25741868, with internal and published modifications).

NM_005996.4(TBX3):c.1971G>A (p.Leu657=)

Gene: TBX3 (T-box transcription factor 3; minus strand). Cytogenetic location: 12q24.21.
Variant type: single nucleotide variant.
Coding change: c.1971G>A on transcript NM_005996.4 (MANE Select); coding-DNA position 1971, G replaced by A.
Protein change: p.Leu657=; no amino-acid change (leucine 657 retained).
Molecular consequence: synonymous variant.
Genome position (GRCh38, 1-based): chr12:114,672,042, C>T on the plus strand (G>A on the coding strand, the complement: TBX3 is on the minus strand). VCF-style: chr12-114672042-C-T. GRCh37 (hg19) VCF-style: chr12-115109847-C-T.
Other names: c.2031G>A (NM_016569.3); c.2031G>A, p.Leu677= (NM_016569.4).
Identifiers: ClinVar variation 307355 (VCV000307355.11), dbSNP rs757640161, ClinGen allele CA6809811.
Genomic context (GRCh38, chr12:114,672,042, plus strand): 5'-GGAGGAGCGGCTGTTGAGTTCAGAGCCCGAGTCCACTGCCACCGAGGCCGGGCTGGCGGC[C>T]AGGGCGGCGACTTTGCCGTCCAGGGGCCCCGCGGCCGCCGCCATGGAGGGCAGGGCGGTG-3'
Protein context (NP_005987.3, residues 647-667): AGPLDGKVAA[Leu657=]AASPASVAVD